The following is an entry in ClinVar:

NM_018389.5(SLC35C1):c.679A>G (p.Ile227Val)

Gene: SLC35C1 (solute carrier family 35 member C1; plus strand). Cytogenetic location: 11p11.2.
Variant type: single nucleotide variant.
Coding change: c.679A>G on transcript NM_018389.5 (MANE Select); coding-DNA position 679, A replaced by G.
Protein change: p.Ile227Val; replaces isoleucine 227 with valine.
Molecular consequence: missense variant.
Genome position (GRCh38, 1-based): chr11:45,810,919, A>G. VCF-style: chr11-45810919-A-G. GRCh37 (hg19) VCF-style: chr11-45832470-A-G.
Other names: c.640A>G, p.Ile214Val (NM_001145265.2, NM_001145266.2); short protein forms I227V, I214V.
Identifiers: ClinVar variation 578912 (VCV000578912.8), dbSNP rs1565043377, ClinGen allele CA380205748.

ClinVar aggregate classification (germline): Uncertain significance (1 of 4 stars; one submission).

Conditions:
Leukocyte adhesion deficiency type II. Also called: CONGENITAL DISORDER OF GLYCOSYLATION, TYPE IIc; Congenital disorder of glycosylation type 2C; CDG 2C; Leukocyte adhesion deficiency type 2; Rambam Hasharon syndrome; CDG IIc. Identifiers: Orphanet 2968, Orphanet 99843, MedGen C0398739, MONDO:0009953, OMIM 266265.

Submission:

Labcorp Genetics (formerly Invitae), Labcorp
Classification: Uncertain significance for Leukocyte adhesion deficiency type II. Last evaluated: 2020-05-13. Review status: criteria provided, single submitter. Criteria: Invitae Variant Classification Sherloc (09022015). Collection method: clinical testing. Allele origin: germline.
Comment: In summary, the available evidence is currently insufficient to determine the role of this variant in disease. Therefore, it has been classified as a Variant of Uncertain Significance. Algorithms developed to predict the effect of missense changes on protein structure and function (SIFT, PolyPhen-2, Align-GVGD) all suggest that this variant is likely to be tolerated, but these predictions have not been confirmed by published functional studies and their clinical significance is uncertain. This variant has not been reported in the literature in individuals with SLC35C1-related disease. This variant is not present in population databases (ExAC no frequency). This sequence change replaces isoleucine with valine at codon 227 of the SLC35C1 protein (p.Ile227Val). The isoleucine residue is highly conserved and there is a small physicochemical difference between isoleucine and valine.